The following is an entry in ClinVar:

NM_004863.4(SPTLC2):c.1450del (p.Arg484fs)

Gene: SPTLC2 (serine palmitoyltransferase long chain base subunit 2; minus strand). Cytogenetic location: 14q24.3.
Variant type: Deletion.
Coding change: c.1450del on transcript NM_004863.4 (MANE Select); coding-DNA position 1450, one base deleted (C; older notation c.1450delC).
Protein change: p.Arg484fs; shifts the reading frame from arginine 484.
Molecular consequence: frameshift variant.
Genome position (GRCh38, 1-based): chr14:77,518,157, G deleted on the plus strand (C on the coding strand, the reverse complement: SPTLC2 is on the minus strand). VCF-style (leftmost placement, unchanged base first): chr14-77518156-CG-C. GRCh37 (hg19) VCF-style: chr14-77984499-CG-C.
Other names: short protein forms R484fs.
Identifiers: ClinVar variation 2058736 (VCV002058736.4), dbSNP rs2477605038, ClinGen allele CA2580088834.

ClinVar aggregate classification (germline): Uncertain significance (1 of 4 stars; one submission).

Conditions:
Neuropathy, hereditary sensory and autonomic, type 1C. Also called: HSAN IC; HSN IC. Identifiers: Orphanet 36386, MedGen C3150896, MONDO:0013337, OMIM 613640.

Submission:

Labcorp Genetics (formerly Invitae), Labcorp
Classification: Uncertain significance for Neuropathy, hereditary sensory and autonomic, type 1C. Last evaluated: 2021-12-24. Review status: criteria provided, single submitter. Criteria: Invitae Variant Classification Sherloc (09022015). Collection method: clinical testing. Allele origin: germline.
Comment: In summary, the available evidence is currently insufficient to determine the role of this variant in disease. Therefore, it has been classified as a Variant of Uncertain Significance. This variant has not been reported in the literature in individuals affected with SPTLC2-related conditions. This variant is not present in population databases (gnomAD no frequency). This sequence change creates a premature translational stop signal (p.Arg484Glyfs*4) in the SPTLC2 gene. It is expected to result in an absent or disrupted protein product. However, the current clinical and genetic evidence is not sufficient to establish whether loss-of-function variants in SPTLC2 cause disease.